The following is an entry in ClinVar:

ClinVar aggregate classification (germline): Uncertain significance (1 of 4 stars; one submission).

Allele frequency attached by ClinVar (database versions not stated): ExAC 0.00001; gnomAD exomes 0.00001; TOPMed 0.00001.
gnomAD v4.1: 10 of 1,614,166 alleles (0.00062%); highest among the groups gnomAD compares: Middle Eastern, 0.016%; no homozygotes.

Submission:

Labcorp Genetics (formerly Invitae), Labcorp
Classification: Uncertain significance. Last evaluated: 2024-10-15. Review status: criteria provided, single submitter. Criteria: Invitae Variant Classification Sherloc (09022015). Collection method: clinical testing. Allele origin: germline.
Comment: This sequence change replaces tyrosine, which is neutral and polar, with phenylalanine, which is neutral and non-polar, at codon 53 of the POLR3A protein (p.Tyr53Phe). This variant is present in population databases (rs755352061, gnomAD 0.003%). This variant has not been reported in the literature in individuals affected with POLR3A-related conditions. ClinVar contains an entry for this variant (Variation ID: 1399536). Invitae Evidence Modeling of protein sequence and biophysical properties (such as structural, functional, and spatial information, amino acid conservation, physicochemical variation, residue mobility, and thermodynamic stability) indicates that this missense variant is not expected to disrupt POLR3A protein function with a negative predictive value of 80%. In summary, the available evidence is currently insufficient to determine the role of this variant in disease. Therefore, it has been classified as a Variant of Uncertain Significance.

NM_007055.4(POLR3A):c.158A>T (p.Tyr53Phe)

Gene: POLR3A (RNA polymerase III subunit A; minus strand). Cytogenetic location: 10q22.3.
Variant type: single nucleotide variant.
Coding change: c.158A>T on transcript NM_007055.4 (MANE Select); coding-DNA position 158, A replaced by T.
Protein change: p.Tyr53Phe; replaces tyrosine 53 with phenylalanine.
Molecular consequence: missense variant.
Genome position (GRCh38, 1-based): chr10:78,026,116, T>A on the plus strand (A>T on the coding strand, the complement: POLR3A is on the minus strand). VCF-style: chr10-78026116-T-A. GRCh37 (hg19) VCF-style: chr10-79785874-T-A.
Other names: short protein forms Y53F.
Identifiers: ClinVar variation 1399536 (VCV001399536.5), dbSNP rs755352061, ClinGen allele CA5571783.